The following is an entry in ClinVar:

NM_001038603.3(MARVELD2):c.1204G>A (p.Asp402Asn)

Gene: MARVELD2 (MARVEL domain containing 2; plus strand). Cytogenetic location: 5q13.2.
Variant type: single nucleotide variant.
Coding change: c.1204G>A on transcript NM_001038603.3 (MANE Select); coding-DNA position 1204, G replaced by A.
Protein change: p.Asp402Asn; replaces aspartic acid 402 with asparagine.
Molecular consequence: missense variant.
Genome position (GRCh38, 1-based): chr5:69,432,548, G>A. VCF-style: chr5-69432548-G-A. GRCh37 (hg19) VCF-style: chr5-68728375-G-A.
Other names: c.1168G>A, p.Asp390Asn (NM_001244734.2); short protein forms D402N, D390N.
Identifiers: ClinVar variation 163971 (VCV000163971.5), dbSNP rs727503160, ClinGen allele CA176724.

ClinVar aggregate classification (germline): Uncertain significance. Review status: criteria provided, multiple submitters, no conflicts (2 of 4 stars). 2 submissions from 2 submitters: Uncertain significance (2). Last evaluated 2024-11-25.

Allele frequency attached by ClinVar (database versions not stated): TOPMed below 0.00001; gnomAD 0.00001.

Submissions (2):

Blueprint Genetics
Classification: Uncertain significance. Last evaluated: 2024-11-25. Review status: criteria provided, single submitter. Criteria: ACMG Guidelines, 2015. Collection method: clinical testing. Allele origin: germline.

Laboratory for Molecular Medicine, Mass General Brigham Personalized Medicine
Classification: Uncertain significance. Last evaluated: 2018-06-06. Review status: criteria provided, single submitter. Criteria: LMM Criteria. Collection method: clinical testing. Allele origin: germline. Observed: 3 variant alleles.
Comment: The p.Asp402Asn variant in MARVELD2 has now been identified by our laboratory in three individuals with hearing loss, none of whom had a second variant in the M ARVELD2 gene. It has also been identified in 0.008% (10/129160) of European chro mosomes by gnomAD. Computational prediction t ools and conservation analysis suggest that the variant may not impact the prote in, though this information is not predictive enough to rule out pathogenicity. In summary, the clinical significance of the p.Asp402Asn variant is uncertain. A CMG/AMP Criteria applied: PM2_Supporting; BP4.